The following is an entry in ClinVar:

ClinVar aggregate classification (germline): Pathogenic/Likely pathogenic. Review status: criteria provided, multiple submitters, no conflicts (2 of 4 stars). 4 submissions from 4 submitters: Pathogenic (3); Likely pathogenic (1). Last evaluated 2026-01-28.

Conditions:
Cardiovascular phenotype. Identifiers: MedGen CN230736.
Alstrom syndrome (ALMS). Identifiers: Orphanet 64, MedGen C0268425, MONDO:0008763, OMIM 203800.

Allele frequency attached by ClinVar (database versions not stated): gnomAD exomes below 0.00001 and 0.00001.
gnomAD v4.1: 2 of 1,614,072 alleles (0.00012%); highest among the groups gnomAD compares: East Asian, 0.0045%; no homozygotes.

Submissions (4):

Labcorp Genetics (formerly Invitae), Labcorp
Classification: Pathogenic for Alstrom syndrome. Last evaluated: 2026-01-28. Review status: criteria provided, single submitter. Criteria: Invitae Variant Classification Sherloc (09022015). Collection method: clinical testing. Allele origin: germline.
Comment: This sequence change creates a premature translational stop signal (p.Glu2468*) in the ALMS1 gene. It is expected to result in an absent or disrupted protein product. Loss-of-function variants in ALMS1 are known to be pathogenic (PMID: 17594715). This variant is present in population databases (no rsID available, gnomAD 0.01%). This premature translational stop signal has been observed in individual(s) with Alstrom syndrome (PMID: 26047050). ClinVar contains an entry for this variant (Variation ID: 858665). Algorithms developed to predict the effect of sequence changes on RNA splicing suggest that this variant may disrupt the consensus splice site. For these reasons, this variant has been classified as Pathogenic.

Natera, Inc.
Classification: Pathogenic for Alstrom syndrome. Last evaluated: 2026-01-27. Review status: criteria provided, single submitter. Criteria: Natera Variant Classification Schema (03/2026). Collection method: clinical testing. Allele origin: germline.
Comment: The c.7402G>T variant in ALMS1 is a nonsense variant predicted to introduce a stop codon at amino acid 2468. This variant is expected to result in nonsense mediated decay, truncation, or a dysfunctional protein product. This variant is rare in the general population with a frequency below the threshold expected for the associated phenotype(s). This variant has been observed in one or more individuals affected with the associated recessive disease, as either homozygous or compound heterozygous with a second variant (PMID: 26010121). Given the available evidence, this variant is classified as Pathogenic.

GeneDx
Classification: Likely pathogenic. Last evaluated: 2022-05-11. Review status: criteria provided, single submitter. Criteria: GeneDx Variant Classification Process June 2021. Collection method: clinical testing. Allele origin: germline. Affected: yes.
Comment: Observed with a second variant on the opposite allele (in trans) in a patient with Leber congenital amaurosis in published literature (Wang et al., 2015); Nonsense variant predicted to result in protein truncation or nonsense mediated decay in a gene for which loss of function is a known mechanism of disease; Not observed at significant frequency in large population cohorts (gnomAD); This variant is associated with the following publications: (PMID: 26010121, 26047050, 27375279, 35211159, 17594715)

Ambry Genetics
Classification: Pathogenic for Cardiovascular phenotype. Last evaluated: 2019-12-23. Review status: criteria provided, single submitter. Criteria: Ambry Variant Classification Scheme 2023. Collection method: clinical testing. Allele origin: germline.
Comment: The p.E2468* pathogenic mutation (also known as c.7402G>T), located in coding exon 8 of the ALMS1 gene, results from a G to T substitution at nucleotide position 7402. This changes the amino acid from a glutamic acid to a stop codon within coding exon 8. This variant (also described as p.E2466) was reported in two individuals from Leber congenital amaurosis cohorts, and both were compound heterozygotes with additional ALMS1 variants detected, although phase information (cis or trans) was not provided (Wang H et al. Invest. Ophthalmol. Vis. Sci., 2015 Jun;56:3642-55; Xu Y et al. Clin. Genet., 2016 Apr;89:442-447). In addition to the clinical data presented in the literature, this alteration is expected to result in loss of function by premature protein truncation or nonsense-mediated mRNA decay. As such, this alteration is interpreted as a disease-causing mutation.

Literature cited by the submitters: PubMed 17594715 (cited by Labcorp Genetics (formerly Invitae), Labcorp); PubMed 26047050 (cited by Labcorp Genetics (formerly Invitae), Labcorp and Ambry Genetics); PubMed 26010121 (cited by Natera, Inc. and Ambry Genetics).

NM_001378454.1(ALMS1):c.7399G>T (p.Glu2467Ter)

Gene: ALMS1 (ALMS1 centrosome and basal body associated protein; plus strand). Cytogenetic location: 2p13.1.
Variant type: single nucleotide variant.
Coding change: c.7399G>T on transcript NM_001378454.1 (MANE Select); coding-DNA position 7399, G replaced by T.
Protein change: p.Glu2467Ter; replaces glutamic acid 2467 with a stop codon.
Molecular consequence: nonsense.
Genome position (GRCh38, 1-based): chr2:73,453,926, G>T. VCF-style: chr2-73453926-G-T. GRCh37 (hg19) VCF-style: chr2-73681053-G-T.
Other names: c.7402G>T, p.Glu2468Ter (NM_015120.4); short protein forms E2467*, E2468*.
Identifiers: ClinVar variation 858665 (VCV000858665.15), dbSNP rs1198051503, ClinGen allele CA347292388.